The following is an entry in ClinVar:

NM_015404.4(WHRN):c.2384G>A (p.Arg795Gln)

Gene: WHRN (whirlin; minus strand). Cytogenetic location: 9q32.
Variant type: single nucleotide variant.
Coding change: c.2384G>A on transcript NM_015404.4 (MANE Select); coding-DNA position 2384, G replaced by A.
Protein change: p.Arg795Gln; replaces arginine 795 with glutamine.
Molecular consequence: missense variant.
Genome position (GRCh38, 1-based): chr9:114,403,930, C>T on the plus strand (G>A on the coding strand, the complement: WHRN is on the minus strand). VCF-style: chr9-114403930-C-T. GRCh37 (hg19) VCF-style: chr9-117166210-C-T.
Other names: c.1235G>A, p.Arg412Gln (NM_001083885.3); c.2381G>A, p.Arg794Gln (NM_001173425.2); c.1331G>A, p.Arg444Gln (NM_001346890.1); short protein forms R412Q, R444Q, R794Q, R795Q.
Identifiers: ClinVar variation 666782 (VCV000666782.23), dbSNP rs143763650, ClinGen allele CA5205653.
Genomic context (GRCh38, chr9:114,403,930, plus strand): 5'-TCTGCATCCTCCTCCTCCTGGCTCACCGGTTTGTTGGCCCCATCTGTGGGCCTCTCGTTC[C>T]GAGGCAGCTCCTTGCTACTCCTGCTCTTGGTGGACACCGACTGCCTTCCTCGGCCTGGGG-3'
Protein context (NP_056219.3, residues 785-805): TKSRSSKELP[Arg795Gln]NERPTDGANK

ClinVar aggregate classification (germline): Conflicting classifications of pathogenicity. Review status: criteria provided, conflicting classifications (1 of 4 stars). 9 submissions from 8 submitters: Uncertain significance (2); Benign (1); Likely benign (3). 3 of the submissions do not count toward it. Last evaluated 2026-01-28.

Conditions:
WHRN-related disorder. Also called: WHRN-related condition.
Autosomal recessive nonsyndromic hearing loss 31. Also called: WHIRLER, MOUSE, HOMOLOG OF. Identifiers: Orphanet 90636, MedGen C1846839, MONDO:0011767, OMIM 607084.
Usher syndrome type 2D. Also called: USHER SYNDROME, TYPE IID. Identifiers: Orphanet 231178, Orphanet 886, MedGen C1568249, MONDO:0012662, OMIM 611383.

Allele frequency attached by ClinVar (database versions not stated): ESP Exome Variant Server 0.00008; 1000 Genomes Project 0.00180; gnomAD 0.00010 and 0.00021; ExAC 0.00053; 1000 Genomes Project 30x 0.00156; TOPMed 0.00016; gnomAD exomes 0.00023 and 0.00049.
gnomAD v4.1: 360 of 1,611,128 alleles (0.022%); highest among the groups gnomAD compares: South Asian, 0.21%; 4 homozygotes.

Submissions (9):

Labcorp Genetics (formerly Invitae), Labcorp
Classification: Benign. Last evaluated: 2026-01-28. Review status: criteria provided, single submitter. Criteria: Invitae Variant Classification Sherloc (09022015). Collection method: clinical testing. Allele origin: germline.

Blueprint Genetics
Classification: Likely benign. Last evaluated: 2024-09-13. Review status: criteria provided, single submitter. Criteria: ACMG Guidelines, 2015. Collection method: clinical testing. Allele origin: germline.

GeneDx
Classification: Likely benign. Last evaluated: 2020-07-27. Review status: criteria provided, single submitter. Criteria: GeneDx Variant Classification Process June 2021. Collection method: clinical testing. Allele origin: germline. Affected: yes.

Laboratory for Molecular Medicine, Mass General Brigham Personalized Medicine
Classification: Likely benign. Last evaluated: 2018-09-13. Review status: criteria provided, single submitter. Criteria: LMM Criteria. Collection method: clinical testing. Allele origin: germline. Observed: 1 variant allele.
Comment: The p.Arg795Gln variant in WHRN is classified as likely benign due to a lack of conservation across species. At least 6 mammalian species have a Glutamine (Gln) at this position. In addition, computational prediction tools predict that this variant does not impact the protein. The variant has also been identified in 0. 2% (73/30782) of South Asian chromosomes, including two homozygotes, by gnomAD. ACMG/AMP Criteria applied: BP4_Strong, BS1_Su pporting.

Illumina Laboratory Services, Illumina
Classification: Uncertain significance for Usher syndrome type 2D. Last evaluated: 2018-01-13. Review status: criteria provided, single submitter. Criteria: ICSL Variant Classification Criteria 13 December 2019. Collection method: clinical testing. Allele origin: germline.

Illumina Laboratory Services, Illumina
Classification: Uncertain significance for Autosomal recessive nonsyndromic hearing loss 31. Last evaluated: 2018-01-13. Review status: criteria provided, single submitter. Criteria: ICSL Variant Classification Criteria 13 December 2019. Collection method: clinical testing. Allele origin: germline.

PreventionGenetics, part of Exact Sciences
Classification: Likely benign for WHRN-related condition. Last evaluated: 2022-10-05. Review status: no assertion criteria provided. Collection method: clinical testing. Allele origin: germline. Not counted in ClinVar's aggregate classification.
Comment: This variant is classified as likely benign based on ACMG/AMP sequence variant interpretation guidelines (Richards et al. 2015 PMID: 25741868, with internal and published modifications).

Clinical Genetics DNA and cytogenetics Diagnostics Lab, Erasmus MC, Erasmus Medical Center
Classification: Likely benign. Review status: no assertion criteria provided. Collection method: clinical testing. Allele origin: germline. Affected: yes. Study: VKGL Data-share Consensus. Not counted in ClinVar's aggregate classification.

Genome Diagnostics Laboratory, University Medical Center Utrecht
Classification: Likely benign. Review status: no assertion criteria provided. Collection method: clinical testing. Allele origin: germline. Affected: yes. Study: VKGL Data-share Consensus. Not counted in ClinVar's aggregate classification.